The following is an entry in ClinVar:

ClinVar aggregate classification (germline): Uncertain significance (1 of 4 stars; one submission).

Conditions:
Myopathy, centronuclear, 2 (CNM2). Also called: MYOTUBULAR MYOPATHY, AUTOSOMAL RECESSIVE. Identifiers: Orphanet 169186, MedGen CN031787, MONDO:0009709, OMIM 255200.

Submission:

Labcorp Genetics (formerly Invitae), Labcorp
Classification: Uncertain significance for Myopathy, centronuclear, 2. Last evaluated: 2024-10-22. Review status: criteria provided, single submitter. Criteria: Invitae Variant Classification Sherloc (09022015). Collection method: clinical testing. Allele origin: germline.
Comment: This sequence change falls in intron 8 of the BIN1 gene. It does not directly change the encoded amino acid sequence of the BIN1 protein. It affects a nucleotide within the consensus splice site. This variant is not present in population databases (gnomAD no frequency). This variant has not been reported in the literature in individuals affected with BIN1-related conditions. Variants that disrupt the consensus splice site are a relatively common cause of aberrant splicing (PMID: 17576681, 9536098). Algorithms developed to predict the effect of sequence changes on RNA splicing suggest that this variant is not likely to affect RNA splicing. In summary, the available evidence is currently insufficient to determine the role of this variant in disease. Therefore, it has been classified as a Variant of Uncertain Significance.

Literature cited by the submitters: PubMed 17576681; PubMed 9536098.

NM_139343.3(BIN1):c.698+3G>A

Gene: BIN1 (bridging integrator 1; minus strand). Cytogenetic location: 2q14.3.
Variant type: single nucleotide variant.
Coding change: c.698+3G>A on transcript NM_139343.3 (MANE Select); 3 bases into the intron after coding-DNA position 698, G replaced by A.
Molecular consequence: intron variant.
Genome position (GRCh38, 1-based): chr2:127,063,930, C>T on the plus strand (G>A on the coding strand, the complement: BIN1 is on the minus strand). VCF-style: chr2-127063930-C-T. GRCh37 (hg19) VCF-style: chr2-127821506-C-T.
Other names: c.617+3G>A (NM_001320642.1); c.533+3G>A (NM_001320634.1); c.605+3G>A (NM_139351.3, NM_139350.3, NM_139349.3 and 6 more transcripts); c.698+3G>A (NM_001320633.2, NM_139345.3, NM_139344.3 and 1 more transcripts).
Identifiers: ClinVar variation 3708792 (VCV003708792.2).